The following is an entry in ClinVar:

ClinVar aggregate classification (germline): Uncertain significance (1 of 4 stars; one submission).

Submission:

Labcorp Genetics (formerly Invitae), Labcorp
Classification: Uncertain significance. Last evaluated: 2024-01-25. Review status: criteria provided, single submitter. Criteria: Invitae Variant Classification Sherloc (09022015). Collection method: clinical testing. Allele origin: germline.
Comment: This sequence change creates a premature translational stop signal (p.Leu236Phefs*12) in the SPPL2A gene. It is expected to result in an absent or disrupted protein product. However, the current clinical and genetic evidence is not sufficient to establish whether loss-of-function variants in SPPL2A cause disease. This variant is not present in population databases (gnomAD no frequency). This variant has not been reported in the literature in individuals affected with SPPL2A-related conditions. In summary, the available evidence is currently insufficient to determine the role of this variant in disease. Therefore, it has been classified as a Variant of Uncertain Significance.

NM_032802.4(SPPL2A):c.708_711del (p.Leu236fs)

Gene: SPPL2A (signal peptide peptidase like 2A; minus strand). Cytogenetic location: 15q21.2.
Variant type: Deletion.
Coding change: c.708_711del on transcript NM_032802.4 (MANE Select); coding-DNA positions 708 to 711, 4 bases deleted (ACTT; older notation c.708_711delACTT).
Protein change: p.Leu236fs; shifts the reading frame from leucine 236.
Molecular consequence: frameshift variant.
Genome position (GRCh38, 1-based): chr15:50,739,702-50,739,705, AAGT deleted on the plus strand (ACTT on the coding strand, the reverse complement: SPPL2A is on the minus strand); deleting any 4 consecutive bases within chr15:50,739,702-50,739,708 gives the same sequence; the c. name uses the placement nearest the transcript's 3' end. VCF-style (leftmost placement, unchanged base first): chr15-50739701-AAAGT-A. GRCh37 (hg19) VCF-style: chr15-51031898-AAAGT-A.
Other names: short protein forms L236fs.
Identifiers: ClinVar variation 2711414 (VCV002711414.3), dbSNP rs2542828561, ClinGen allele CA2697549085.